The following is an entry in ClinVar:

ClinVar aggregate classification (germline): Likely pathogenic. Review status: criteria provided, multiple submitters, no conflicts (2 of 4 stars). 3 submissions from 3 submitters: Likely pathogenic (2). 1 of the submissions does not count toward it. Last evaluated 2023-07-11.

Conditions:
DHX37-related disorder. Also called: DHX37-related condition; DHX37-Related Disorders.
46,XY sex reversal 11. Also called: Testicular regression syndrome; Vanishing testis; ANORCHIA, FAMILIAL; TESTICULAR REGRESSION, EMBRYONIC. Identifiers: Orphanet 983, MedGen C0266427, MONDO:8000015, OMIM 273250, HP:0012870.

Submissions (3):

PreventionGenetics, part of Exact Sciences
Classification: Likely pathogenic for DHX37-related condition. Last evaluated: 2023-07-11. Review status: criteria provided, single submitter. Criteria: ACMG Guidelines, 2015. Collection method: clinical testing. Allele origin: germline.
Comment: The DHX37 c.2020C>T variant is predicted to result in the amino acid substitution p.Arg674Trp. This variant has been reported in several individuals with embryonic testicular regression syndrome (ETRS) and segregates with this phenotype in multiple families (da Silva et al. 2019. PubMed ID: 31287541). This variant has not been reported in a large population database, indicating this variant is rare. This variant is interpreted as likely pathogenic.

Institute of Human Genetics, Clinical Exome/Genome Diagnostics Group, University Hospital Bonn
Classification: Likely pathogenic for 46,XY sex reversal 11. Last evaluated: 2021-03-08. Review status: criteria provided, single submitter. Criteria: ACMG Guidelines, 2015. Collection method: clinical testing. Allele origin: inherited. Affected: yes.
Comment: PS1, PM1, PM2, PP3

OMIM
Classification: Pathogenic for 46,XY SEX REVERSAL 11. Last evaluated: 2020-04-27. Review status: no assertion criteria provided. Collection method: literature only. Allele origin: germline. Not counted in ClinVar's aggregate classification.

Literature cited by the submitters: PubMed 31287541 (cited by OMIM).

NM_032656.4(DHX37):c.2020C>T (p.Arg674Trp)

Gene: DHX37 (DEAH-box helicase 37; minus strand). Cytogenetic location: 12q24.31.
Variant type: single nucleotide variant.
Coding change: c.2020C>T on transcript NM_032656.4 (MANE Select); coding-DNA position 2020, C replaced by T.
Protein change: p.Arg674Trp; replaces arginine 674 with tryptophan.
Molecular consequence: missense variant.
Genome position (GRCh38, 1-based): chr12:124,964,419, G>A on the plus strand (C>T on the coding strand, the complement: DHX37 is on the minus strand). VCF-style: chr12-124964419-G-A. GRCh37 (hg19) VCF-style: chr12-125448965-G-A.
Other names: short protein forms R674W.
Identifiers: ClinVar variation 869421 (VCV000869421.5), dbSNP rs1954336272, ClinGen allele CA387224270.